The following is an entry in ClinVar:

ClinVar aggregate classification (germline): Uncertain significance (1 of 4 stars; one submission).

Conditions:
Inborn genetic diseases. Identifiers: MedGen C0950123, MeSH D030342.

Submission:

Ambry Genetics
Classification: Uncertain significance for Inborn genetic diseases. Last evaluated: 2021-11-11. Review status: criteria provided, single submitter. Criteria: Ambry Variant Classification Scheme 2023. Collection method: clinical testing. Allele origin: germline.
Comment: The p.S320G variant (also known as c.958A>G), located in coding exon 5 of the PRDM12 gene, results from an A to G substitution at nucleotide position 958. The serine at codon 320 is replaced by glycine, an amino acid with similar properties. This amino acid position is conserved. In addition, this alteration is predicted to be tolerated by in silico analysis. Since supporting evidence is limited at this time, the clinical significance of this alteration remains unclear.

NM_021619.3(PRDM12):c.958A>G (p.Ser320Gly)

Gene: PRDM12 (PR/SET domain 12; plus strand). Cytogenetic location: 9q34.12.
Variant type: single nucleotide variant.
Coding change: c.958A>G on transcript NM_021619.3 (MANE Select); coding-DNA position 958, A replaced by G.
Protein change: p.Ser320Gly; replaces serine 320 with glycine.
Molecular consequence: missense variant.
Genome position (GRCh38, 1-based): chr9:130,681,523, A>G. VCF-style: chr9-130681523-A-G. GRCh37 (hg19) VCF-style: chr9-133556910-A-G.
Other names: short protein forms S320G.
Identifiers: ClinVar variation 1767462 (VCV001767462.2), dbSNP rs2490750490, ClinGen allele CA375245065.